The following is an entry in ClinVar:

NM_017849.4(TMEM127):c.58G>A (p.Gly20Ser)

Genes: TMEM127 (transmembrane protein 127; minus strand), LOC129934333 (ATAC-STARR-seq lymphoblastoid silent region 11759; plus strand). Cytogenetic location: 2q11.2.
Variant type: single nucleotide variant.
Coding change: c.58G>A on transcript NM_017849.4 (MANE Select); coding-DNA position 58, G replaced by A.
Protein change: p.Gly20Ser; replaces glycine 20 with serine.
Molecular consequence: missense variant.
Genome position (GRCh38, 1-based): chr2:96,265,324, C>T on the plus strand (G>A on the coding strand, the complement: TMEM127 is on the minus strand). VCF-style: chr2-96265324-C-T. GRCh37 (hg19) VCF-style: chr2-96931062-C-T.
Other names: c.58G>A, p.Gly20Ser (NM_001193304.3); c.58G>A (NM_017849.3); short protein forms G20S.
Identifiers: ClinVar variation 1040800 (VCV001040800.13), dbSNP rs1343615968, ClinGen allele CA347656202.

ClinVar aggregate classification (germline): Uncertain significance. Review status: criteria provided, multiple submitters, no conflicts (2 of 4 stars). 4 submissions from 4 submitters: Uncertain significance (4). Last evaluated 2025-08-04.

Conditions:
Hereditary cancer-predisposing syndrome. Also called: Neoplastic Syndromes, Hereditary; Tumor predisposition; Hereditary Cancer Syndrome; Hereditary neoplastic syndrome. Identifiers: Orphanet 140162, MedGen C0027672, MeSH D009386, MONDO:0015356.
Hereditary pheochromocytoma and paraganglioma. Also called: Hereditary paragangliomas and pheochromocytomas; Hereditary Paraganglioma-Pheochromocytoma Syndromes; Hereditary pheochromocytoma-paraganglioma. Identifiers: Orphanet 29072, MedGen C4274332, MONDO:0017366.

Allele frequency attached by ClinVar (database versions not stated): TOPMed below 0.00001; gnomAD 0.00001.
gnomAD v4.1: 1 of 1,523,884 alleles (0.000066%); highest among the groups gnomAD compares: African/African-American, 0.0014%; no homozygotes.

Submissions (4):

Labcorp Genetics (formerly Invitae), Labcorp
Classification: Uncertain significance for Hereditary pheochromocytoma and paraganglioma. Last evaluated: 2025-08-04. Review status: criteria provided, single submitter. Criteria: Invitae Variant Classification Sherloc (09022015). Collection method: clinical testing. Allele origin: germline.
Comment: This sequence change replaces glycine, which is neutral and non-polar, with serine, which is neutral and polar, at codon 20 of the TMEM127 protein (p.Gly20Ser). This variant is not present in population databases (gnomAD no frequency). This variant has not been reported in the literature in individuals affected with TMEM127-related conditions. ClinVar contains an entry for this variant (Variation ID: 1040800). An algorithm developed to predict the effect of missense changes on protein structure and function outputs the following: PolyPhen-2: "Not Available". The serine amino acid residue is found in multiple mammalian species, which suggests that this missense change does not adversely affect protein function. In summary, the available evidence is currently insufficient to determine the role of this variant in disease. Therefore, it has been classified as a Variant of Uncertain Significance.

Dasa
Classification: Uncertain significance. Last evaluated: 2025-03-19. Review status: criteria provided, single submitter. Criteria: DASA Assertion Criteria. Collection method: clinical testing. Allele origin: germline.
Comment: NM_017849.4(TMEM127):c.58G>A (p.Gly20Ser) is a missense variant that results in the substitution of glycine with serine. This variant is rare in population databases. Computational prediction algorithms are consistent with a benign effect. The currently available literature and clinical evidence are not sufficient to establish a definitive association between this variant and the reported condition. Therefore, this variant is classified as a variant of uncertain significance.

Ambry Genetics
Classification: Uncertain significance for Hereditary cancer-predisposing syndrome. Last evaluated: 2024-12-08. Review status: criteria provided, single submitter. Criteria: Ambry Variant Classification Scheme 2023. Collection method: clinical testing. Allele origin: germline.
Comment: The p.G20S variant (also known as c.58G>A), located in coding exon 1 of the TMEM127 gene, results from a G to A substitution at nucleotide position 58. The glycine at codon 20 is replaced by serine, an amino acid with similar properties. This amino acid position is conserved. In addition, this alteration is predicted to be tolerated by in silico analysis. Based on the available evidence, the clinical significance of this variant remains unclear.

Quest Diagnostics Nichols Institute San Juan Capistrano
Classification: Uncertain significance. Last evaluated: 2023-09-16. Review status: criteria provided, single submitter. Criteria: Quest Diagnostics criteria. Collection method: clinical testing. Allele origin: unknown.
Comment: This variant has not been reported in the published literature. The frequency of this variant in the general population, 0.0000066 (1/152204 chromosomes (Genome Aggregation Database)), is uninformative in the assessment of its pathogenicity. Analysis of this variant using bioinformatics tools for the prediction of the effect of amino acid changes on protein structure and function yielded predictions that this variant is benign. Based on the available information, we are unable to determine the clinical significance of this variant.